The following is an entry in ClinVar:

NM_207361.6(FREM2):c.6458C>A (p.Thr2153Asn)

Gene: FREM2 (FRAS1 related extracellular matrix 2; plus strand). Cytogenetic location: 13q13.3.
Variant type: single nucleotide variant.
Coding change: c.6458C>A on transcript NM_207361.6 (MANE Select); coding-DNA position 6458, C replaced by A.
Protein change: p.Thr2153Asn; replaces threonine 2153 with asparagine.
Molecular consequence: missense variant.
Genome position (GRCh38, 1-based): chr13:38,850,116, C>A. VCF-style: chr13-38850116-C-A. GRCh37 (hg19) VCF-style: chr13-39424253-C-A.
Other names: short protein forms T2153N.
Identifiers: ClinVar variation 1716264 (VCV001716264.5), dbSNP rs9548506, ClinGen allele CA387896284.

ClinVar aggregate classification (germline): Uncertain significance (1 of 4 stars; one submission).

Submission:

Labcorp Genetics (formerly Invitae), Labcorp
Classification: Uncertain significance. Last evaluated: 2024-01-24. Review status: criteria provided, single submitter. Criteria: Invitae Variant Classification Sherloc (09022015). Collection method: clinical testing. Allele origin: germline.
Comment: This sequence change replaces threonine, which is neutral and polar, with asparagine, which is neutral and polar, at codon 2153 of the FREM2 protein (p.Thr2153Asn). This variant is not present in population databases (gnomAD no frequency). This variant has not been reported in the literature in individuals affected with FREM2-related conditions. ClinVar contains an entry for this variant (Variation ID: 1716264). Algorithms developed to predict the effect of missense changes on protein structure and function output the following: SIFT: "Not Available"; PolyPhen-2: "Benign"; Align-GVGD: "Not Available". The asparagine amino acid residue is found in multiple mammalian species, which suggests that this missense change does not adversely affect protein function. In summary, the available evidence is currently insufficient to determine the role of this variant in disease. Therefore, it has been classified as a Variant of Uncertain Significance.